The following is an entry in ClinVar:

ClinVar aggregate classification (germline): Uncertain significance. Review status: criteria provided, single submitter (1 of 4 stars). 2 submissions from 2 submitters: Uncertain significance (1). 1 of the submissions does not count toward it. Last evaluated 2022-03-12.

Conditions:
Niemann-Pick disease, type C1. Also called: NIEMANN-PICK DISEASE, VARIANT TYPE C1; NEUROVISCERAL STORAGE DISEASE WITH VERTICAL SUPRANUCLEAR OPHTHALMOPLEGIA; NIEMANN-PICK DISEASE WITH CHOLESTEROL ESTERIFICATION BLOCK; NIEMANN-PICK DISEASE WITHOUT SPHINGOMYELINASE DEFICIENCY; NIEMANN-PICK DISEASE, CHRONIC NEURONOPATHIC FORM. Identifiers: Orphanet 646, MedGen C3179455, MONDO:0009757, OMIM 257220.

Submissions (2):

Labcorp Genetics (formerly Invitae), Labcorp
Classification: Uncertain significance for Niemann-Pick disease, type C1. Last evaluated: 2022-03-12. Review status: criteria provided, single submitter. Criteria: Invitae Variant Classification Sherloc (09022015). Collection method: clinical testing. Allele origin: germline.
Comment: This variant has not been reported in the literature in individuals affected with NPC1-related conditions. Advanced modeling of protein sequence and biophysical properties (such as structural, functional, and spatial information, amino acid conservation, physicochemical variation, residue mobility, and thermodynamic stability) performed at Invitae indicates that this missense variant is not expected to disrupt NPC1 protein function. In summary, the available evidence is currently insufficient to determine the role of this variant in disease. Therefore, it has been classified as a Variant of Uncertain Significance. This variant is not present in population databases (gnomAD no frequency). This sequence change replaces arginine, which is basic and polar, with leucine, which is neutral and non-polar, at codon 1274 of the NPC1 protein (p.Arg1274Leu).

Natera, Inc.
Classification: Uncertain significance for Niemann-Pick disease type C1. Last evaluated: 2025-01-27. Review status: no assertion criteria provided. Collection method: clinical testing. Allele origin: germline. Not counted in ClinVar's aggregate classification.

NM_000271.5(NPC1):c.3821G>T (p.Arg1274Leu)

Gene: NPC1 (NPC intracellular cholesterol transporter 1; minus strand). Cytogenetic location: 18q11.2.
Variant type: single nucleotide variant.
Coding change: c.3821G>T on transcript NM_000271.5 (MANE Select); coding-DNA position 3821, G replaced by T.
Protein change: p.Arg1274Leu; replaces arginine 1274 with leucine.
Molecular consequence: missense variant.
Genome position (GRCh38, 1-based): chr18:23,532,218, C>A on the plus strand (G>T on the coding strand, the complement: NPC1 is on the minus strand). VCF-style: chr18-23532218-C-A. GRCh37 (hg19) VCF-style: chr18-21112182-C-A.
Other names: c.3821G>T (NM_000271.4); short protein forms R1274L.
Identifiers: ClinVar variation 2110091 (VCV002110091.5), dbSNP rs151305963, ClinGen allele CA401790342.